The following is an entry in ClinVar:

NM_000257.4(MYH7):c.5283+19C>T

Genes: MYH7 (myosin heavy chain 7; minus strand), LOC126861897 (BRD4-independent group 4 enhancer GRCh37_chr14:23884455-23885654; plus strand). Cytogenetic location: 14q11.2.
Variant type: single nucleotide variant.
Coding change: c.5283+19C>T on transcript NM_000257.4 (MANE Select); 19 bases into the intron after coding-DNA position 5283, C replaced by T.
Molecular consequence: intron variant.
Genome position (GRCh38, 1-based): chr14:23,415,362, G>A on the plus strand (C>T on the coding strand, the complement: MYH7 is on the minus strand). VCF-style: chr14-23415362-G-A. GRCh37 (hg19) VCF-style: chr14-23884571-G-A.
Identifiers: ClinVar variation 138384 (VCV000138384.30), dbSNP rs45582836, ClinGen allele CA015840.

ClinVar aggregate classification (germline): Benign/Likely benign. Review status: criteria provided, multiple submitters, no conflicts (2 of 4 stars). 10 submissions from 10 submitters: Benign (1); Likely benign (5). 4 of the submissions do not count toward it. Last evaluated 2026-01-05.

Conditions:
MYH7-related skeletal myopathy. Also called: Myopathy, distal, 1; Laing early-onset distal myopathy; MYOPATHY, DISTAL, EARLY-ONSET, AUTOSOMAL DOMINANT; MYOPATHY, LATE DISTAL HEREDITARY; Laing distal myopathy. Identifiers: Orphanet 59135, MedGen C4552004, MONDO:0008050, OMIM 160500.
Myopathy, myosin storage, autosomal recessive (CMYO7B). Also called: CONGENITAL MYOPATHY 7B, MYOSIN STORAGE, AUTOSOMAL RECESSIVE. Identifiers: Orphanet 636970, MedGen C1850709, MONDO:0009708, OMIM 255160.
Myosin storage myopathy (CMYO7A). Also called: MYOPATHY WITH LYSIS OF TYPE I MYOFIBRILS; MYOPATHY, HYALINE BODY, AUTOSOMAL DOMINANT; MYH7-related late-onset scapuloperoneal muscular dystrophy; Congenital myopathy 7A, myosin storage, autosomal dominant; Scapuloperoneal myopathy, MYH7-related; SCAPULOPERONEAL MUSCULAR DYSTROPHY. Identifiers: Orphanet 437572, Orphanet 636965, MedGen C1842160, MONDO:0008409, OMIM 608358.
Dilated cardiomyopathy 1S (CMD1S). Identifiers: Orphanet 154, Orphanet 54260, MedGen C1834481, MONDO:0013262, OMIM 613426.
Hypertrophic cardiomyopathy 1 (CMH1). Also called: Familial hypertrophic cardiomyopathy 1; MYH7-Related Familial Hypertrophic Cardiomyopathy. Identifiers: MedGen C3495498, MONDO:0008647, OMIM 192600.
Congenital myopathy with fiber type disproportion. Also called: Congenital fiber-type disproportion myopathy; Congenital fiber-type disproportion. Identifiers: Orphanet 2020, MedGen C0546264, MONDO:0009711. Inheritance: all.
Hypertrophic cardiomyopathy. Also called: HYPERTROPHIC MYOCARDIOPATHY. Identifiers: Orphanet 217569, MedGen C0007194, MeSH D002312, MONDO:0005045, HP:0001639.

Allele frequency attached by ClinVar (database versions not stated): 1000 Genomes Project 30x 0.00016; TOPMed 0.00017; ExAC 0.00018; gnomAD exomes 0.00018 and 0.00023; gnomAD 0.00019 and 0.00020; 1000 Genomes Project 0.00020; ESP Exome Variant Server 0.00031.

Submissions (10):

Labcorp Genetics (formerly Invitae), Labcorp
Classification: Likely benign for Hypertrophic cardiomyopathy. Last evaluated: 2026-01-05. Review status: criteria provided, single submitter. Criteria: Invitae Variant Classification Sherloc (09022015). Collection method: clinical testing. Allele origin: germline.

ARUP Laboratories, Molecular Genetics and Genomics, ARUP Laboratories
Classification: Likely benign. Last evaluated: 2025-03-03. Review status: criteria provided, single submitter. Criteria: ARUP Molecular Germline Variant Investigation Process 2024. Collection method: clinical testing. Allele origin: germline.

Blueprint Genetics
Classification: Likely benign. Last evaluated: 2024-11-15. Review status: criteria provided, single submitter. Criteria: ACMG Guidelines, 2015. Collection method: clinical testing. Allele origin: germline.

Fulgent Genetics
Classification: Likely benign for MYH7-related skeletal myopathy; Myosin storage myopathy; Hypertrophic cardiomyopathy 1; Myopathy, myosin storage, autosomal recessive; Congenital myopathy 4A, autosomal dominant; Dilated cardiomyopathy 1S. Last evaluated: 2021-08-10. Review status: criteria provided, single submitter. Criteria: ACMG Guidelines, 2015. Collection method: clinical testing. Allele origin: unknown.

GeneDx
Classification: Benign. Last evaluated: 2014-02-10. Review status: criteria provided, single submitter. Criteria: GeneDx Variant Classification (06012015). Collection method: clinical testing. Allele origin: germline. Affected: yes.
Comment: This variant is considered likely benign or benign based on one or more of the following criteria: it is a conservative change, it occurs at a poorly conserved position in the protein, it is predicted to be benign by multiple in silico algorithms, and/or has population frequency not consistent with disease.

PreventionGenetics, part of Exact Sciences
Classification: Likely benign. Review status: criteria provided, single submitter. Criteria: ACMG Guidelines, 2015. Collection method: clinical testing. Allele origin: germline.

Clinical Genetics DNA and cytogenetics Diagnostics Lab, Erasmus MC, Erasmus Medical Center
Classification: Benign. Review status: no assertion criteria provided. Collection method: clinical testing. Allele origin: germline. Affected: yes. Study: VKGL Data-share Consensus. Not counted in ClinVar's aggregate classification.

Clinical Genetics, Academic Medical Center
Classification: Benign. Review status: no assertion criteria provided. Collection method: clinical testing. Allele origin: germline. Affected: yes. Study: VKGL Data-share Consensus. Not counted in ClinVar's aggregate classification.

Diagnostic Laboratory, Department of Genetics, University Medical Center Groningen
Classification: Likely benign. Review status: no assertion criteria provided. Collection method: clinical testing. Allele origin: germline. Affected: yes. Study: VKGL Data-share Consensus. Not counted in ClinVar's aggregate classification.

Joint Genome Diagnostic Labs from Nijmegen and Maastricht, Radboudumc and MUMC+
Classification: Likely benign. Review status: no assertion criteria provided. Collection method: clinical testing. Allele origin: germline. Affected: yes. Study: VKGL Data-share Consensus. Not counted in ClinVar's aggregate classification.